The following is an entry in ClinVar:

ClinVar aggregate classification (germline): Uncertain significance (1 of 4 stars; one submission).

Conditions:
Congenital myasthenic syndrome 8. Also called: Myasthenic syndrome, congenital, 8, with pre- and postsynaptic defects; MYASTHENIC SYNDROME, CONGENITAL, DUE TO AGRIN DEFICIENCY. Identifiers: Orphanet 590, MedGen C3808739, MONDO:0014052, OMIM 615120.

Allele frequency attached by ClinVar (database versions not stated): TOPMed 0.00002.

Submission:

Labcorp Genetics (formerly Invitae), Labcorp
Classification: Uncertain significance for Congenital myasthenic syndrome 8. Last evaluated: 2021-03-26. Review status: criteria provided, single submitter. Criteria: Invitae Variant Classification Sherloc (09022015). Collection method: clinical testing. Allele origin: germline.
Comment: In summary, the available evidence is currently insufficient to determine the role of this variant in disease. Therefore, it has been classified as a Variant of Uncertain Significance. This sequence change replaces aspartic acid with glutamic acid at codon 360 of the AGRN protein (p.Asp360Glu). The aspartic acid residue is highly conserved and there is a small physicochemical difference between aspartic acid and glutamic acid. This variant is not present in population databases (ExAC no frequency). This variant has not been reported in the literature in individuals with AGRN-related conditions. Algorithms developed to predict the effect of missense changes on protein structure and function are either unavailable or do not agree on the potential impact of this missense change (SIFT: "Deleterious"; PolyPhen-2: "Possibly Damaging"; Align-GVGD: "Class C0").

NM_198576.4(AGRN):c.1080C>A (p.Asp360Glu)

Gene: AGRN (agrin; plus strand). Cytogenetic location: 1p36.33.
Variant type: single nucleotide variant.
Coding change: c.1080C>A on transcript NM_198576.4 (MANE Select); coding-DNA position 1080, C replaced by A.
Protein change: p.Asp360Glu; replaces aspartic acid 360 with glutamic acid.
Molecular consequence: missense variant.
Genome position (GRCh38, 1-based): chr1:1,041,605, C>A. VCF-style: chr1-1041605-C-A. GRCh37 (hg19) VCF-style: chr1-976985-C-A.
Other names: c.1080C>A, p.Asp360Glu (NM_001305275.2); c.765C>A, p.Asp255Glu (NM_001364727.2); short protein forms D255E, D360E.
Identifiers: ClinVar variation 1439045 (VCV001439045.8), dbSNP rs750165361, ClinGen allele CA337827018.